The following is an entry in ClinVar:

ClinVar aggregate classification (germline): Uncertain significance (0 of 4 stars; one submission).

Conditions:
Prostate cancer. Also called: Malignant tumor of prostate. Identifiers: Orphanet 1331, MedGen C0376358, MONDO:0008315, HP:0012125.

Allele frequency attached by ClinVar (database versions not stated): gnomAD exomes below 0.00001; gnomAD 0.00001.
gnomAD v4.1: 2 of 1,613,140 alleles (0.00012%); no homozygotes.

Submission:

Science for Life laboratory,  Karolinska Institutet
Classification: Uncertain significance for Malignant tumor of prostate. Review status: no assertion criteria provided. Collection method: not provided. Allele origin: somatic.
Comment: TumorID:SWE-92C
ClinVar note: Converted during submission from Unknown to Uncertain significance.

NM_005441.3(CHAF1B):c.862A>G (p.Thr288Ala)

Genes: CHAF1B (chromatin assembly factor 1 subunit B; plus strand), LOC126653361 (CDK7 strongly-dependent group 2 enhancer GRCh37_chr21:37780832-37782031; plus strand). Cytogenetic location: 21q22.13.
Variant type: single nucleotide variant.
Coding change: c.862A>G on transcript NM_005441.3 (MANE Select); coding-DNA position 862, A replaced by G.
Protein change: p.Thr288Ala; replaces threonine 288 with alanine.
Molecular consequence: missense variant.
Genome position (GRCh38, 1-based): chr21:36,409,408, A>G. VCF-style: chr21-36409408-A-G. GRCh37 (hg19) VCF-style: chr21-37781706-A-G.
Other names: short protein forms T288A.
Identifiers: ClinVar variation 161635 (VCV000161635.2), dbSNP rs193921141, ClinGen allele CA174502.